The following is an entry in ClinVar:

ClinVar aggregate classification (germline): Uncertain significance (1 of 4 stars; one submission).

gnomAD v4.1: 1 of 1,612,516 alleles (0.000062%); highest among the groups gnomAD compares: African/African-American, 0.0013%; no homozygotes.

Submission:

Labcorp Genetics (formerly Invitae), Labcorp
Classification: Uncertain significance. Last evaluated: 2025-12-19. Review status: criteria provided, single submitter. Criteria: Invitae Variant Classification Sherloc (09022015). Collection method: clinical testing. Allele origin: germline.
Comment: This sequence change replaces threonine, which is neutral and polar, with asparagine, which is neutral and polar, at codon 715 of the KMT2E protein (p.Thr715Asn). This variant is present in population databases (no rsID available, gnomAD 0.01%). This variant has not been reported in the literature in individuals affected with KMT2E-related conditions. Invitae Evidence Modeling of protein sequence and biophysical properties (such as structural, functional, and spatial information, amino acid conservation, physicochemical variation, residue mobility, and thermodynamic stability) indicates that this missense variant is not expected to disrupt KMT2E protein function with a negative predictive value of 80%. In summary, the available evidence is currently insufficient to determine the role of this variant in disease. Therefore, it has been classified as a Variant of Uncertain Significance.

NM_182931.3(KMT2E):c.2144C>A (p.Thr715Asn)

Gene: KMT2E (lysine methyltransferase 2E (inactive); plus strand). Cytogenetic location: 7q22.3.
Variant type: single nucleotide variant.
Coding change: c.2144C>A on transcript NM_182931.3 (MANE Select); coding-DNA position 2144, C replaced by A.
Protein change: p.Thr715Asn; replaces threonine 715 with asparagine.
Molecular consequence: missense variant.
Genome position (GRCh38, 1-based): chr7:105,102,142, C>A. VCF-style: chr7-105102142-C-A. GRCh37 (hg19) VCF-style: chr7-104742589-C-A.
Other names: c.2144C>A, p.Thr715Asn (NM_001410908.1, NM_018682.4); short protein forms T715N.
Identifiers: ClinVar variation 4770268 (VCV004770268.1).